The following is an entry in ClinVar:

ClinVar aggregate classification (germline): Conflicting classifications of pathogenicity. Review status: criteria provided, conflicting classifications (1 of 4 stars). 5 submissions from 5 submitters: Likely pathogenic (3); Uncertain significance (2). Last evaluated 2025-12-16.

Conditions:
Retinal disorder. Also called: Retinopathies; Retinal Diseases; Retinal disorders; Retinopathy. Identifiers: MedGen C0035309, MONDO:0005283, HP:0000488.
TSPAN12-related disorder. Also called: TSPAN12-related condition.

Allele frequency attached by ClinVar (database versions not stated): gnomAD 0.00001; gnomAD exomes 0.00001.
gnomAD v4.1: 15 of 1,613,788 alleles (0.00093%); highest among the groups gnomAD compares: Admixed American, 0.0017%; no homozygotes.

Submissions (5):

Genetics Laboratory, Great Ormond Street Hospital NHS Foundation Trust, North Thames Genomic Laboratory Hub
Classification: Likely pathogenic for Retinal disorders. Last evaluated: 2025-12-16. Review status: criteria provided, single submitter. Criteria: ACGS Best Practice Guidelines for Variant Classification in Rare Disease 2024 v1.2. Collection method: clinical testing. Allele origin: germline. Affected: yes.
Comment: PS4_moderate, PM2_moderate, PM5_moderate, PP1_supporting, PP4_supporting

GeneDx
Classification: Uncertain significance. Last evaluated: 2025-05-21. Review status: criteria provided, single submitter. Criteria: GeneDx Variant Classification Process June 2021. Collection method: clinical testing. Allele origin: germline. Affected: yes.
Comment: In silico analysis suggests that this missense variant does not alter protein structure/function; This variant is associated with the following publications: (PMID: 38881609, 33090715, 36729443, 38819824, 33907885, 30097784, 30452590, 32883240, 32884843, 34860240, 35876299, 26244290)

PreventionGenetics, part of Exact Sciences
Classification: Likely pathogenic for TSPAN12-related condition. Last evaluated: 2025-05-07. Review status: criteria provided, single submitter. Criteria: ACMG Guidelines, 2015. Collection method: clinical testing. Allele origin: germline.
Comment: The TSPAN12 c.194C>T variant is predicted to result in the amino acid substitution p.Pro65Leu. This variant has been reported in individuals with familial exudative vitreoretinopathy (FEVR; see for example: Li et al. 2018. PubMed ID: 30452590; Table S2, Liu et al. 2020. PubMed ID: 33090715; Tao et al. 2021. PubMed ID: 34860240). This variant is reported in 0.0018% of alleles in individuals of European (Non-Finnish) descent in gnomAD. This variant is interpreted as likely pathogenic.

Labcorp Genetics (formerly Invitae), Labcorp
Classification: Likely pathogenic. Last evaluated: 2024-05-09. Review status: criteria provided, single submitter. Criteria: Invitae Variant Classification Sherloc (09022015). Collection method: clinical testing. Allele origin: germline.
Comment: This sequence change replaces proline, which is neutral and non-polar, with leucine, which is neutral and non-polar, at codon 65 of the TSPAN12 protein (p.Pro65Leu). This variant is present in population databases (no rsID available, gnomAD 0.002%). This missense change has been observed in individuals with clinical features of familial exudative vitreoretinopathy (PMID: 26244290, 30452590, 33090715, 35876299; Invitae). ClinVar contains an entry for this variant (Variation ID: 1066224). Advanced modeling of protein sequence and biophysical properties (such as structural, functional, and spatial information, amino acid conservation, physicochemical variation, residue mobility, and thermodynamic stability) performed at Invitae indicates that this missense variant is not expected to disrupt TSPAN12 protein function with a negative predictive value of 80%. This variant disrupts the p.Pro65 amino acid residue in TSPAN12. Other variant(s) that disrupt this residue have been observed in individuals with TSPAN12-related conditions (PMID: 33907885), which suggests that this may be a clinically significant amino acid residue. In summary, the currently available evidence indicates that the variant is pathogenic, but additional data are needed to prove that conclusively. Therefore, this variant has been classified as Likely Pathogenic.

Blueprint Genetics
Classification: Uncertain significance. Last evaluated: 2021-04-01. Review status: criteria provided, single submitter. Criteria: ACMG Guidelines, 2015. Collection method: clinical testing. Allele origin: germline.

Literature cited by the submitters: PubMed 26244290 (cited by Labcorp Genetics (formerly Invitae), Labcorp); PubMed 30452590 (cited by Labcorp Genetics (formerly Invitae), Labcorp); PubMed 33090715 (cited by Labcorp Genetics (formerly Invitae), Labcorp); PubMed 35876299 (cited by Labcorp Genetics (formerly Invitae), Labcorp); PubMed 33907885 (cited by Labcorp Genetics (formerly Invitae), Labcorp).

NM_012338.4(TSPAN12):c.194C>T (p.Pro65Leu)

Gene: TSPAN12 (tetraspanin 12; minus strand). Cytogenetic location: 7q31.31.
Variant type: single nucleotide variant.
Coding change: c.194C>T on transcript NM_012338.4 (MANE Select); coding-DNA position 194, C replaced by T.
Protein change: p.Pro65Leu; replaces proline 65 with leucine.
Molecular consequence: missense variant.
Genome position (GRCh38, 1-based): chr7:120,838,868, G>A on the plus strand (C>T on the coding strand, the complement: TSPAN12 is on the minus strand). VCF-style: chr7-120838868-G-A. GRCh37 (hg19) VCF-style: chr7-120478922-G-A.
Other names: c.194C>T (NM_012338.3); short protein forms P65L.
Identifiers: ClinVar variation 1066224 (VCV001066224.11), dbSNP rs1283326178, ClinGen allele CA369141356.